The following is an entry in ClinVar:

ClinVar aggregate classification (germline): Conflicting classifications of pathogenicity. Review status: criteria provided, conflicting classifications (1 of 4 stars). 3 submissions from 3 submitters: Uncertain significance (1); Likely benign (1). 1 of the submissions does not count toward it. Last evaluated 2023-03-23.

Conditions:
Hereditary breast ovarian cancer syndrome. Also called: BRCA1- and BRCA2-Associated Hereditary Breast and Ovarian Cancer; Hereditary breast and/or ovarian cancer syndrome; Hereditary breast and ovarian cancer syndrome; Hereditary breast and ovarian cancer; Breast and ovarian cancer; Hereditary breast and ovarian cancer syndrome (HBOC). Identifiers: Orphanet 145, MedGen C0677776, MeSH D061325, MONDO:0003582. Disease mechanism: loss of function.
Hereditary cancer-predisposing syndrome. Also called: Tumor predisposition; Hereditary neoplastic syndrome; Hereditary Cancer Syndrome; Neoplastic Syndromes, Hereditary. Identifiers: Orphanet 140162, MedGen C0027672, MeSH D009386, MONDO:0015356.
Malignant tumor of breast. Also called: Cancer breast; Malignant breast neoplasm. Identifiers: MedGen C0006142, MONDO:0007254. Disease mechanism: loss of function.

Allele frequency attached by ClinVar (database versions not stated): gnomAD exomes below 0.00001.
gnomAD v4.1: 1 of 1,557,958 alleles (0.000064%); highest among the groups gnomAD compares: African/African-American, 0.0014%; no homozygotes.

Submissions (3):

University of Washington Department of Laboratory Medicine, University of Washington
Classification: Likely benign for Hereditary cancer-predisposing syndrome. Last evaluated: 2023-03-23. Review status: criteria provided, single submitter. Criteria: Dines et al. (Genet Med. 2020). Collection method: curation. Allele origin: germline.
Comment: Missense variant in a coldspot region where missense variants are very unlikely to be pathogenic (PMID:31911673).

BRCA2 exon 11 coldspot. Reclassification based on statistical prior probability.

Labcorp Genetics (formerly Invitae), Labcorp
Classification: Uncertain significance for Hereditary breast ovarian cancer syndrome. Last evaluated: 2021-02-06. Review status: criteria provided, single submitter. Criteria: Invitae Variant Classification Sherloc (09022015). Collection method: clinical testing. Allele origin: germline.
Comment: This sequence change replaces threonine with serine at codon 1301 of the BRCA2 protein (p.Thr1301Ser). The threonine residue is weakly conserved and there is a small physicochemical difference between threonine and serine. This variant is not present in population databases (ExAC no frequency). This variant has not been reported in the literature in individuals with BRCA2-related conditions. Algorithms developed to predict the effect of missense changes on protein structure and function (SIFT, PolyPhen-2, Align-GVGD) all suggest that this variant is likely to be tolerated, but these predictions have not been confirmed by published functional studies and their clinical significance is uncertain. In summary, the available evidence is currently insufficient to determine the role of this variant in disease. Therefore, it has been classified as a Variant of Uncertain Significance.

Department of Pathology and Laboratory Medicine, Sinai Health System
Classification: Uncertain significance for Malignant tumor of breast. Review status: no assertion criteria provided. Collection method: clinical testing. Allele origin: unknown. Affected: yes. Study: The Canadian Open Genetics Repository (COGR). Not counted in ClinVar's aggregate classification.
Comment: The BRCA2 p.Thr1301Ser variant was not identified in the literature nor was it identified in the dbSNP, ClinVar, LOVD 3.0, or UMD-LSDB databases. The variant was identified in control databases in 1 of 202322 chromosomes, at a frequency of 0.000005 (Genome Aggregation Database Feb 27, 2017). The variant was observed in the East Asian population in 1 of 15052 chromosomes (freq: 0.00007), while the variant was not observed in the African, Other, Latino, European, Ashkenazi Jewish, Finnish, or South Asian populations. The p.Thr1301 residue is not conserved in mammals and four out of five computational analyses (PolyPhen-2, SIFT, AlignGVGD, BLOSUM, MutationTaster) do not suggest a high likelihood of impact to the protein; however, this information is not predictive enough to rule out pathogenicity. The variant occurs outside of the splicing consensus sequence and in silico or computational prediction software programs (SpliceSiteFinder, MaxEntScan, NNSPLICE, GeneSplicer) do not predict a difference in splicing. In summary, based on the above information, the clinical significance of this variant cannot be determined with certainty at this time. This variant is classified as a variant of uncertain significance.

NM_000059.4(BRCA2):c.3902C>G (p.Thr1301Ser)

Gene: BRCA2 (BRCA2 DNA repair associated; plus strand). Cytogenetic location: 13q13.1.
Variant type: single nucleotide variant.
Coding change: c.3902C>G on transcript NM_000059.4 (MANE Select); coding-DNA position 3902, C replaced by G.
Protein change: p.Thr1301Ser; replaces threonine 1301 with serine.
Molecular consequence: missense variant.
Genome position (GRCh38, 1-based): chr13:32,338,257, C>G. VCF-style: chr13-32338257-C-G. GRCh37 (hg19) VCF-style: chr13-32912394-C-G.
Other names: short protein forms T1301S.
Identifiers: ClinVar variation 936190 (VCV000936190.13), dbSNP rs1455648880, ClinGen allele CA387778795.